The following is an entry in ClinVar:

NM_003072.5(SMARCA4):c.4495G>C (p.Glu1499Gln)

Gene: SMARCA4 (SWI/SNF related BAF chromatin remodeling complex subunit ATPase 4; plus strand). Cytogenetic location: 19p13.2.
Variant type: single nucleotide variant.
Coding change: c.4495G>C on transcript NM_003072.5 (MANE Select); coding-DNA position 4495, G replaced by C.
Protein change: p.Glu1499Gln; replaces glutamic acid 1499 with glutamine.
Molecular consequence: missense variant. On other transcripts: non-coding transcript variant (1).
Genome position (GRCh38, 1-based): chr19:11,058,325, G>C. VCF-style: chr19-11058325-G-C. GRCh37 (hg19) VCF-style: chr19-11169001-G-C.
Other names: c.4495G>C, p.Glu1499Gln (NM_001128844.3); c.4405G>C, p.Glu1469Gln (NM_001128845.2); c.4402G>C, p.Glu1468Gln (NM_001128846.2); c.4396G>C, p.Glu1466Gln (NM_001128847.4, NM_001374457.1); c.4393G>C, p.Glu1465Gln (NM_001128848.2); c.4591G>C, p.Glu1531Gln (NM_001128849.3, NM_001387283.1); short protein forms E1531Q, E1465Q, E1466Q, E1469Q, E1499Q, E1468Q.
Identifiers: ClinVar variation 480698 (VCV000480698.5), dbSNP rs1555795053, ClinGen allele CA404077749.

ClinVar aggregate classification (germline): Uncertain significance (1 of 4 stars; one submission).

Conditions:
Hereditary cancer-predisposing syndrome. Also called: Hereditary Cancer Syndrome; Neoplastic Syndromes, Hereditary; Tumor predisposition; Hereditary neoplastic syndrome. Identifiers: Orphanet 140162, MedGen C0027672, MeSH D009386, MONDO:0015356.

Submission:

Ambry Genetics
Classification: Uncertain significance for Hereditary cancer-predisposing syndrome. Last evaluated: 2017-09-22. Review status: criteria provided, single submitter. Criteria: Ambry Variant Classification Scheme 2023. Collection method: clinical testing. Allele origin: germline.
Comment: The p.E1531Q variant (also known as c.4591G>C), located in coding exon 31 of the SMARCA4 gene, results from a G to C substitution at nucleotide position 4591. The glutamic acid at codon 1531 is replaced by glutamine, an amino acid with highly similar properties. This amino acid position is highly conserved in available vertebrate species. In addition, this alteration is predicted to be tolerated by in silico analysis. Since supporting evidence is limited at this time, the clinical significance of this alteration remains unclear.